The following is an entry in ClinVar:

ClinVar aggregate classification (germline): Conflicting classifications of pathogenicity. Review status: criteria provided, conflicting classifications (1 of 4 stars). 5 submissions from 5 submitters: Uncertain significance (4); Likely benign (1). Last evaluated 2025-10-20.

Conditions:
Myofibrillar myopathy 6. Identifiers: Orphanet 199340, MedGen C2751831, MONDO:0013061, OMIM 612954.
Dilated cardiomyopathy 1HH (CMD1HH). Identifiers: Orphanet 154, MedGen C3151293, MONDO:0013479, OMIM 613881.
Cardiovascular phenotype. Identifiers: MedGen CN230736.

Allele frequency attached by ClinVar (database versions not stated): ExAC 0.00002; gnomAD exomes 0.00002.
gnomAD v4.1: 12 of 1,613,920 alleles (0.00074%); highest among the groups gnomAD compares: Admixed American, 0.005%; no homozygotes.

Submissions (5):

Labcorp Genetics (formerly Invitae), Labcorp
Classification: Uncertain significance for Dilated cardiomyopathy 1HH; Myofibrillar myopathy 6. Last evaluated: 2025-10-20. Review status: criteria provided, single submitter. Criteria: Invitae Variant Classification Sherloc (09022015). Collection method: clinical testing. Allele origin: germline.
Comment: This sequence change replaces valine, which is neutral and non-polar, with alanine, which is neutral and non-polar, at codon 328 of the BAG3 protein (p.Val328Ala). This variant is present in population databases (rs765627299, gnomAD 0.009%). This variant has not been reported in the literature in individuals affected with BAG3-related conditions. ClinVar contains an entry for this variant (Variation ID: 518903). Invitae Evidence Modeling of protein sequence and biophysical properties (such as structural, functional, and spatial information, amino acid conservation, physicochemical variation, residue mobility, and thermodynamic stability) indicates that this missense variant is not expected to disrupt BAG3 protein function with a negative predictive value of 80%. In summary, the available evidence is currently insufficient to determine the role of this variant in disease. Therefore, it has been classified as a Variant of Uncertain Significance.

Ambry Genetics
Classification: Likely benign for Cardiovascular phenotype. Last evaluated: 2025-01-22. Review status: criteria provided, single submitter. Criteria: Ambry Variant Classification Scheme 2023. Collection method: clinical testing. Allele origin: germline.

Mayo Clinic Laboratories, Mayo Clinic
Classification: Uncertain significance. Last evaluated: 2024-07-30. Review status: criteria provided, single submitter. Criteria: ACMG Guidelines, 2015. Collection method: clinical testing. Allele origin: germline. Observed: 1 variant allele.
Comment: BP4_moderate

GeneDx
Classification: Uncertain significance. Last evaluated: 2023-04-13. Review status: criteria provided, single submitter. Criteria: GeneDx Variant Classification Process June 2021. Collection method: clinical testing. Allele origin: germline. Affected: yes.
Comment: Has not been previously published as pathogenic or benign to our knowledge; Not observed at significant frequency in large population cohorts (gnomAD); In silico analysis supports that this missense variant does not alter protein structure/function

Revvity Omics, Revvity
Classification: Uncertain significance. Last evaluated: 2021-09-14. Review status: criteria provided, single submitter. Criteria: ACMG Guidelines, 2015. Collection method: clinical testing. Allele origin: germline.

Literature cited by the submitters: PubMed 33874732 (cited by Ambry Genetics); PubMed 37904629 (cited by Ambry Genetics); PubMed 36382946 (cited by Mayo Clinic Laboratories, Mayo Clinic).

NM_004281.4(BAG3):c.983T>C (p.Val328Ala)

Gene: BAG3 (BAG cochaperone 3; plus strand). Cytogenetic location: 10q26.11.
Variant type: single nucleotide variant.
Coding change: c.983T>C on transcript NM_004281.4 (MANE Select); coding-DNA position 983, T replaced by C.
Protein change: p.Val328Ala; replaces valine 328 with alanine.
Molecular consequence: missense variant.
Genome position (GRCh38, 1-based): chr10:119,676,537, T>C. VCF-style: chr10-119676537-T-C. GRCh37 (hg19) VCF-style: chr10-121436049-T-C.
Other names: p.Val328Ala; short protein forms V328A.
Identifiers: ClinVar variation 518903 (VCV000518903.19), dbSNP rs765627299, ClinGen allele CA5716458.